The following is an entry in ClinVar:

ClinVar aggregate classification (germline): Likely pathogenic (1 of 4 stars; one submission).

gnomAD v4.1: 3 of 1,598,250 alleles (0.00019%); highest among the groups gnomAD compares: South Asian, 0.0034%; no homozygotes.

Submission:

Labcorp Genetics (formerly Invitae), Labcorp
Classification: Likely pathogenic. Last evaluated: 2024-12-23. Review status: criteria provided, single submitter. Criteria: Invitae Variant Classification Sherloc (09022015). Collection method: clinical testing. Allele origin: germline.
Comment: This sequence change affects an acceptor splice site in intron 22 of the RTTN gene. It is expected to disrupt RNA splicing. Variants that disrupt the donor or acceptor splice site typically lead to a loss of protein function (PMID: 16199547), and loss-of-function variants in RTTN are known to be pathogenic (PMID: 26608784, 26846091). This variant is present in population databases (rs764126513, gnomAD 0.004%). This variant has not been reported in the literature in individuals affected with RTTN-related conditions. Algorithms developed to predict the effect of sequence changes on RNA splicing suggest that this variant may disrupt the consensus splice site. In summary, the currently available evidence indicates that the variant is pathogenic, but additional data are needed to prove that conclusively. Therefore, this variant has been classified as Likely Pathogenic.

Literature cited by the submitters: PubMed 16199547; PubMed 26608784; PubMed 26846091.

NM_173630.4(RTTN):c.2886-1G>A

Gene: RTTN (rotatin; minus strand). Cytogenetic location: 18q22.2.
Variant type: single nucleotide variant.
Coding change: c.2886-1G>A on transcript NM_173630.4 (MANE Select); the canonical splice acceptor site of the intron before coding-DNA position 2886, G replaced by A.
Molecular consequence: splice acceptor variant.
Genome position (GRCh38, 1-based): chr18:70,134,542, C>T on the plus strand (G>A on the coding strand, the complement: RTTN is on the minus strand). VCF-style: chr18-70134542-C-T. GRCh37 (hg19) VCF-style: chr18-67801778-C-T.
Other names: c.150-1G>A (NM_001318520.2).
Identifiers: ClinVar variation 3687325 (VCV003687325.2).